The following is an entry in ClinVar:

NM_001242957.3(MAK):c.1762C>T (p.His588Tyr)

Gene: MAK (male germ cell associated kinase; minus strand). Cytogenetic location: 6p24.2.
Variant type: single nucleotide variant.
Coding change: c.1762C>T on transcript NM_001242957.3 (MANE Select); coding-DNA position 1762, C replaced by T.
Protein change: p.His588Tyr; replaces histidine 588 with tyrosine.
Molecular consequence: missense variant. On other transcripts: non-coding transcript variant (2), intron variant (2).
Genome position (GRCh38, 1-based): chr6:10,770,141, G>A on the plus strand (C>T on the coding strand, the complement: MAK is on the minus strand). VCF-style: chr6-10770141-G-A. GRCh37 (hg19) VCF-style: chr6-10770374-G-A.
Other names: c.1687C>T, p.His563Tyr (NM_005906.6); c.1495+5187C>T (NM_001377262.1); c.1597+5187C>T (NM_001242385.2); short protein forms H588Y, H563Y.
Identifiers: ClinVar variation 354788 (VCV000354788.12), dbSNP rs200319110, ClinGen allele CA3633358.

ClinVar aggregate classification (germline): Uncertain significance. Review status: criteria provided, multiple submitters, no conflicts (2 of 4 stars). 2 submissions from 2 submitters: Uncertain significance (2). Last evaluated 2024-12-02.

Conditions:
MAK-related disorder. Also called: MAK-related condition.

Allele frequency attached by ClinVar (database versions not stated): ExAC 0.00001; gnomAD 0.00003 and 0.00004; gnomAD exomes 0.00003; TOPMed 0.00003.
gnomAD v4.1: 21 of 1,614,022 alleles (0.0013%); highest among the groups gnomAD compares: Non-Finnish European, 0.00017%; no homozygotes.

Submissions (2):

PreventionGenetics, part of Exact Sciences
Classification: Uncertain significance for MAK-related condition. Last evaluated: 2024-12-02. Review status: criteria provided, single submitter. Criteria: ACMG Guidelines, 2015. Collection method: clinical testing. Allele origin: germline.
Comment: The MAK c.1762C>T variant is predicted to result in the amino acid substitution p.His588Tyr. To our knowledge, this variant has not been reported in the literature. This variant is reported in 0.058% of alleles in individuals of Ashkenazi Jewish descent in gnomAD. Although we suspect this variant may be benign, t this time, the clinical significance of this variant is uncertain due to the absence of conclusive functional and genetic evidence.

Labcorp Genetics (formerly Invitae), Labcorp
Classification: Uncertain significance. Last evaluated: 2022-10-28. Review status: criteria provided, single submitter. Criteria: Invitae Variant Classification Sherloc (09022015). Collection method: clinical testing. Allele origin: germline.
Comment: This sequence change replaces histidine, which is basic and polar, with tyrosine, which is neutral and polar, at codon 588 of the MAK protein (p.His588Tyr). This variant is present in population databases (rs200319110, gnomAD 0.05%). This variant has not been reported in the literature in individuals affected with MAK-related conditions. ClinVar contains an entry for this variant (Variation ID: 354788). Advanced modeling of protein sequence and biophysical properties (such as structural, functional, and spatial information, amino acid conservation, physicochemical variation, residue mobility, and thermodynamic stability) performed at Invitae indicates that this missense variant is not expected to disrupt MAK protein function. In summary, the available evidence is currently insufficient to determine the role of this variant in disease. Therefore, it has been classified as a Variant of Uncertain Significance.